The following is an entry in ClinVar:

ClinVar aggregate classification (germline): Uncertain significance. Review status: criteria provided, multiple submitters, no conflicts (2 of 4 stars). 2 submissions from 2 submitters: Uncertain significance (2). Last evaluated 2022-02-04.

Conditions:
Granulomatous disease, chronic, autosomal recessive, cytochrome b-negative. Also called: GRANULOMATOUS DISEASE, CHRONIC, AUTOSOMAL RECESSIVE, 4; Chronic granulomatous disease, autosomal, due to deficiency of CYBA; CGD DUE TO DEFICIENCY OF THE ALPHA SUBUNIT OF CYTOCHROME b; CGD, AUTOSOMAL RECESSIVE CYTOCHROME b-NEGATIVE; CYBA DEFICIENCY. Identifiers: Orphanet 379, MedGen C1856255, MONDO:0009308, OMIM 233690.

Submissions (2):

Labcorp Genetics (formerly Invitae), Labcorp
Classification: Uncertain significance for Granulomatous disease, chronic, autosomal recessive, cytochrome b-negative. Last evaluated: 2022-02-04. Review status: criteria provided, single submitter. Criteria: Invitae Variant Classification Sherloc (09022015). Collection method: clinical testing. Allele origin: germline.
Comment: This sequence change replaces glycine, which is neutral and non-polar, with serine, which is neutral and polar, at codon 39 of the CYBA protein (p.Gly39Ser). In summary, the available evidence is currently insufficient to determine the role of this variant in disease. Therefore, it has been classified as a Variant of Uncertain Significance. Algorithms developed to predict the effect of missense changes on protein structure and function are either unavailable or do not agree on the potential impact of this missense change (SIFT: "Deleterious"; PolyPhen-2: "Probably Damaging"; Align-GVGD: "Class C0"). ClinVar contains an entry for this variant (Variation ID: 1030595). This variant has not been reported in the literature in individuals affected with CYBA-related conditions. This variant is not present in population databases (gnomAD no frequency).

Baylor Genetics
Classification: Uncertain significance for Granulomatous disease, chronic, autosomal recessive, cytochrome b-negative. Last evaluated: 2019-10-25. Review status: criteria provided, single submitter. Criteria: ACMG Guidelines, 2015. Collection method: clinical testing. Allele origin: unknown. Affected: yes.
Comment: This variant was determined to be of uncertain significance according to ACMG Guidelines, 2015 [PMID:25741868].

NM_000101.4(CYBA):c.115G>A (p.Gly39Ser)

Gene: CYBA (cytochrome b-245 alpha chain; minus strand). Cytogenetic location: 16q24.2.
Variant type: single nucleotide variant.
Coding change: c.115G>A on transcript NM_000101.4 (MANE Select); coding-DNA position 115, G replaced by A.
Protein change: p.Gly39Ser; replaces glycine 39 with serine.
Molecular consequence: missense variant.
Genome position (GRCh38, 1-based): chr16:88,648,058, C>T on the plus strand (G>A on the coding strand, the complement: CYBA is on the minus strand). VCF-style: chr16-88648058-C-T. GRCh37 (hg19) VCF-style: chr16-88714466-C-T.
Other names: short protein forms G39S.
Identifiers: ClinVar variation 1030595 (VCV001030595.6), dbSNP rs1907352298, ClinGen allele CA397065891.
Genomic context (GRCh38, chr16:88,648,058, plus strand): 5'-CTGCCCTGGGCGTTCCCCGCCCACCCCAGCCTCAGGTGGAAGGATACATGGAGTAGGCAC[C>T]AAAGTACCACTGGGTGAAGCGCCCAGCTGTGGCCACGATGCCCCCGGTGATGAGGACTGC-3'
Protein context (NP_000092.2, residues 29-49): TAGRFTQWYF[Gly39Ser]AYSIVAGVFV